The following is an entry in ClinVar:

NM_001692.4(ATP6V1B1):c.853A>T (p.Lys285Ter)

Gene: ATP6V1B1 (ATPase H+ transporting V1 subunit B1; plus strand). Cytogenetic location: 2p13.3.
Variant type: single nucleotide variant.
Coding change: c.853A>T on transcript NM_001692.4 (MANE Select); coding-DNA position 853, A replaced by T.
Protein change: p.Lys285Ter; replaces lysine 285 with a stop codon.
Molecular consequence: nonsense.
Genome position (GRCh38, 1-based): chr2:70,962,844, A>T. VCF-style: chr2-70962844-A-T. GRCh37 (hg19) VCF-style: chr2-71189974-A-T.
Other names: short protein forms K285*.
Identifiers: ClinVar variation 2707640 (VCV002707640.3), dbSNP rs2466299923, ClinGen allele CA347184899.

ClinVar aggregate classification (germline): Pathogenic (1 of 4 stars; one submission).

Submission:

Labcorp Genetics (formerly Invitae), Labcorp
Classification: Pathogenic. Last evaluated: 2024-01-04. Review status: criteria provided, single submitter. Criteria: Invitae Variant Classification Sherloc (09022015). Collection method: clinical testing. Allele origin: germline.
Comment: This sequence change creates a premature translational stop signal (p.Lys285*) in the ATP6V1B1 gene. It is expected to result in an absent or disrupted protein product. Loss-of-function variants in ATP6V1B1 are known to be pathogenic (PMID: 9916796, 18368028). This variant is not present in population databases (gnomAD no frequency). This variant has not been reported in the literature in individuals affected with ATP6V1B1-related conditions. Algorithms developed to predict the effect of sequence changes on RNA splicing suggest that this variant may create or strengthen a splice site. For these reasons, this variant has been classified as Pathogenic.

Literature cited by the submitters: PubMed 9916796; PubMed 18368028.